The following is an entry in ClinVar:

ClinVar aggregate classification (germline): Uncertain significance. Review status: criteria provided, multiple submitters, no conflicts (2 of 4 stars). 2 submissions from 2 submitters: Uncertain significance (2). Last evaluated 2024-05-24.

Conditions:
Inborn genetic diseases. Identifiers: MedGen C0950123, MeSH D030342.

Allele frequency attached by ClinVar (database versions not stated): gnomAD exomes below 0.00001.
gnomAD v4.1: 7 of 1,613,954 alleles (0.00043%); highest among the groups gnomAD compares: African/African-American, 0.008%; no homozygotes.

Submissions (2):

Ambry Genetics
Classification: Uncertain significance for Inborn genetic diseases. Last evaluated: 2024-05-24. Review status: criteria provided, single submitter. Criteria: Ambry Variant Classification Scheme 2023. Collection method: clinical testing. Allele origin: germline.

Labcorp Genetics (formerly Invitae), Labcorp
Classification: Uncertain significance. Last evaluated: 2022-03-20. Review status: criteria provided, single submitter. Criteria: Invitae Variant Classification Sherloc (09022015). Collection method: clinical testing. Allele origin: germline.
Comment: This sequence change replaces isoleucine, which is neutral and non-polar, with threonine, which is neutral and polar, at codon 109 of the CLRN1 protein (p.Ile109Thr). This variant is present in population databases (no rsID available, gnomAD 0.03%). This variant has not been reported in the literature in individuals affected with CLRN1-related conditions. Algorithms developed to predict the effect of missense changes on protein structure and function output the following: SIFT: "Deleterious"; PolyPhen-2: "Benign"; Align-GVGD: "Class C0". The threonine amino acid residue is found in multiple mammalian species, which suggests that this missense change does not adversely affect protein function. In summary, the available evidence is currently insufficient to determine the role of this variant in disease. Therefore, it has been classified as a Variant of Uncertain Significance.

NM_174878.3(CLRN1):c.326T>C (p.Ile109Thr)

Gene: CLRN1 (clarin 1; minus strand). Cytogenetic location: 3q25.1.
Variant type: single nucleotide variant.
Coding change: c.326T>C on transcript NM_174878.3 (MANE Select); coding-DNA position 326, T replaced by C.
Protein change: p.Ile109Thr; replaces isoleucine 109 with threonine.
Molecular consequence: missense variant. On other transcripts: synonymous variant (1), non-coding transcript variant (1).
Genome position (GRCh38, 1-based): chr3:150,941,689, A>G on the plus strand (T>C on the coding strand, the complement: CLRN1 is on the minus strand). VCF-style: chr3-150941689-A-G. GRCh37 (hg19) VCF-style: chr3-150659476-A-G.
Other names: c.326T>C, p.Ile109Thr (NM_001195794.1); c.498T>C, p.Tyr166= (NM_001256819.2); c.98T>C, p.Ile33Thr (NM_052995.2); short protein forms I109T, I33T.
Identifiers: ClinVar variation 1959460 (VCV001959460.3), dbSNP rs1037268706, ClinGen allele CA85691732.